The following is an entry in ClinVar:

ClinVar aggregate classification (germline): Likely pathogenic. Review status: criteria provided, single submitter (1 of 4 stars). 2 submissions from 2 submitters: Likely pathogenic (1). 1 of the submissions does not count toward it. Last evaluated 2024-12-29.

Conditions:
Spongy degeneration of central nervous system. Also called: Canavan disease; Von Bogaert-Bertrand disease; ACY2 DEFICIENCY; AMINOACYLASE 2 DEFICIENCY; ASP DEFICIENCY; ASPA DEFICIENCY. Identifiers: Orphanet 141, MedGen C0206307, MONDO:0010079, OMIM 271900.

Submissions (2):

Natera, Inc.
Classification: Likely pathogenic for Canavan Disease. Last evaluated: 2024-12-29. Review status: criteria provided, single submitter. Criteria: Natera Variant Classification Schema (03/2026). Collection method: clinical testing. Allele origin: germline.
Comment: The c.679_682delGAGA variant in ASPA is a frameshift variant predicted to shift the reading frame beginning at codon 227 and leads to a stop codon 36 codons downstream. This variant is expected to result in nonsense mediated decay, truncation, or a dysfunctional protein product. This variant is rare in the general population with a frequency below the threshold expected for the associated phenotype(s). Given the available evidence, this variant is classified as Likely Pathogenic.

Counsyl
Classification: Likely pathogenic for Spongy degeneration of central nervous system. Last evaluated: 2017-06-19. Review status: no assertion criteria provided. Collection method: clinical testing. Allele origin: unknown. Not counted in ClinVar's aggregate classification.

NM_000049.4(ASPA):c.679_682del (p.Glu227fs)

Genes: ASPA (aspartoacylase; plus strand), SPATA22 (spermatogenesis associated 22; minus strand). Cytogenetic location: 17p13.2.
Variant type: Deletion.
Coding change: c.679_682del on transcript NM_000049.4 (MANE Select); coding-DNA positions 679 to 682, 4 bases deleted (GAGA; older notation c.679_682delGAGA).
Protein change: p.Glu227fs; shifts the reading frame from glutamic acid 227.
Molecular consequence: frameshift variant. On other transcripts: intron variant (2).
Genome position (GRCh38, 1-based): chr17:3,494,394-3,494,397, GAGA deleted; deleting any 4 consecutive bases within chr17:3,494,393-3,494,397 gives the same sequence; the c. name uses the placement nearest the transcript's 3' end. VCF-style (leftmost placement, unchanged base first): chr17-3494392-TAGAG-T. GRCh37 (hg19) VCF-style: chr17-3397686-TAGAG-T.
Other names: c.679_682del, p.Glu227fs (NM_001128085.1); c.-74+19016_-74+19019del (NM_001321336.2, NM_001321337.2); short protein forms E227fs.
Identifiers: ClinVar variation 552391 (VCV000552391.4), dbSNP rs1555540674, ClinGen allele CA658824255.